The following is an entry in ClinVar:

NM_001035.3(RYR2):c.8515-288G>T

Gene: RYR2 (ryanodine receptor 2; plus strand). Cytogenetic location: 1q43.
Variant type: single nucleotide variant.
Coding change: c.8515-288G>T on transcript NM_001035.3 (MANE Select); 288 bases into the intron before coding-DNA position 8515, G replaced by T.
Molecular consequence: intron variant.
Genome position (GRCh38, 1-based): chr1:237,667,595, G>T. VCF-style: chr1-237667595-G-T. GRCh37 (hg19) VCF-style: chr1-237830895-G-T.
Other names: NC_000001.10:g.237830895G>T.
Identifiers: ClinVar variation 683788 (VCV000683788.2), dbSNP rs6657332, ClinGen allele CA39813738.

ClinVar aggregate classification (germline): Benign (1 of 4 stars; one submission).

Allele frequency attached by ClinVar (database versions not stated): 1000 Genomes Project 0.46745; gnomAD 0.44509 and 0.44611; TOPMed 0.44483; 1000 Genomes Project 30x 0.46736.
gnomAD v4.1: 67,358 of 151,960 alleles (44%); highest among the groups gnomAD compares: African/African-American, 55%; 15,411 homozygotes.

Submissions (2):

GeneDx
Classification: Benign. Last evaluated: 2018-06-18. Review status: criteria provided, single submitter. Criteria: GeneDx Variant Classification (06012015). Collection method: clinical testing. Allele origin: germline. Affected: yes.
Comment: This variant is considered likely benign or benign based on one or more of the following criteria: it is a conservative change, it occurs at a poorly conserved position in the protein, it is predicted to be benign by multiple in silico algorithms, and/or has population frequency not consistent with disease.

Dr. Peter K. Rogan Lab, Western University
No classification provided (evidence only). Condition: Ovarian serous cystadenocarcinoma. Review status: no classification provided. Collection method: in vitro. Allele origin: not applicable. Functional consequence: retained intron. Not counted in ClinVar's aggregate classification.